The following is an entry in ClinVar:

ClinVar aggregate classification (germline): Uncertain significance (1 of 4 stars; one submission).

Allele frequency attached by ClinVar (database versions not stated): TOPMed below 0.00001; gnomAD exomes 0.00001; ExAC 0.00003.

Submission:

Labcorp Genetics (formerly Invitae), Labcorp
Classification: Uncertain significance. Last evaluated: 2023-12-25. Review status: criteria provided, single submitter. Criteria: Invitae Variant Classification Sherloc (09022015). Collection method: clinical testing. Allele origin: germline.
Comment: This sequence change replaces glutamic acid, which is acidic and polar, with aspartic acid, which is acidic and polar, at codon 308 of the CYLD protein (p.Glu308Asp). This variant is present in population databases (rs746593321, gnomAD 0.02%). This variant has not been reported in the literature in individuals affected with CYLD-related conditions. Algorithms developed to predict the effect of missense changes on protein structure and function output the following: SIFT: "Not Available"; PolyPhen-2: "Benign"; Align-GVGD: "Not Available". The aspartic acid amino acid residue is found in multiple mammalian species, which suggests that this missense change does not adversely affect protein function. Algorithms developed to predict the effect of sequence changes on RNA splicing suggest that this variant may create or strengthen a splice site. In summary, the available evidence is currently insufficient to determine the role of this variant in disease. Therefore, it has been classified as a Variant of Uncertain Significance.

NM_001378743.1(CYLD):c.924G>T (p.Glu308Asp)

Gene: CYLD (CYLD lysine 63 deubiquitinase; plus strand). Cytogenetic location: 16q12.1.
Variant type: single nucleotide variant.
Coding change: c.924G>T on transcript NM_001378743.1 (MANE Select); coding-DNA position 924, G replaced by T.
Protein change: p.Glu308Asp; replaces glutamic acid 308 with aspartic acid.
Molecular consequence: missense variant. On other transcripts: non-coding transcript variant (1).
Genome position (GRCh38, 1-based): chr16:50,776,180, G>T. VCF-style: chr16-50776180-G-T. GRCh37 (hg19) VCF-style: chr16-50810091-G-T.
Other names: c.915G>T, p.Glu305Asp (NM_001042355.2, NM_001042412.3, NM_001378744.1 and 9 more transcripts); c.249G>T, p.Glu83Asp (NM_001378754.1, NM_001378755.1); c.924G>T, p.Glu308Asp (NM_015247.3); short protein forms E305D, E83D, E308D.
Identifiers: ClinVar variation 2720929 (VCV002720929.3), dbSNP rs746593321, ClinGen allele CA8052305.